The following is an entry in ClinVar:

NM_007294.4(BRCA1):c.134+3A>C

Gene: BRCA1 (BRCA1 DNA repair associated; minus strand). Cytogenetic location: 17q21.31.
Variant type: single nucleotide variant.
Coding change: c.134+3A>C on transcript NM_007294.4 (MANE Select); 3 bases into the intron after coding-DNA position 134, A replaced by C.
Molecular consequence: intron variant.
Genome position (GRCh38, 1-based): chr17:43,115,723, T>G on the plus strand (A>C on the coding strand, the complement: BRCA1 is on the minus strand). VCF-style: chr17-43115723-T-G. GRCh37 (hg19) VCF-style: chr17-41267740-T-G.
Other names: IVS3+3A>C; c.-8+3A>C (NM_001408458.1, NM_001408470.1, NM_001407848.1 and 47 more transcripts); c.-219+9554A>C (NM_001407967.1); c.-170+9554A>C (NM_001407959.1); c.-7-9190A>C (NM_001407931.1, NM_001407747.1, NM_001408511.1 and 2 more transcripts); c.-170+3A>C (NM_001407962.1, NM_001408512.1, NM_001408510.1 and 1 more transcripts); c.-55+3A>C (NM_001407885.1, NM_001407886.1, NM_001408509.1 and 52 more transcripts); c.-124+3A>C (NM_001407746.1, NM_001408468.1, NM_001407842.1 and 13 more transcripts); and 11 more.
Identifiers: ClinVar variation 54212 (VCV000054212.22), dbSNP rs80358064, ClinGen allele CA000885.

ClinVar aggregate classification (germline): Pathogenic. Review status: criteria provided, multiple submitters, no conflicts (2 of 4 stars). 8 submissions from 8 submitters: Pathogenic (5). 3 of the submissions do not count toward it. Last evaluated 2025-11-19.

Conditions:
Hereditary cancer-predisposing syndrome. Also called: Tumor predisposition; Neoplastic Syndromes, Hereditary; Hereditary Cancer Syndrome; Hereditary neoplastic syndrome. Identifiers: Orphanet 140162, MedGen C0027672, MeSH D009386, MONDO:0015356.
Hereditary breast ovarian cancer syndrome. Also called: Hereditary breast and ovarian cancer syndrome (HBOC); Hereditary breast and ovarian cancer syndrome; Hereditary breast and ovarian cancer; Hereditary breast and/or ovarian cancer syndrome; Breast and ovarian cancer; BRCA1- and BRCA2-Associated Hereditary Breast and Ovarian Cancer. Identifiers: Orphanet 145, MedGen C0677776, MeSH D061325, MONDO:0003582. Disease mechanism: loss of function.
Breast-ovarian cancer, familial, susceptibility to, 1 (BROVCA1). Also called: OVARIAN CANCER, SUSCEPTIBILITY TO; BRCA1 Hereditary Breast and Ovarian Cancer. Identifiers: Orphanet 145, MedGen C2676676, MONDO:0011450, OMIM 604370. Disease mechanism: loss of function.

Submissions (9):

Ambry Genetics
Classification: Pathogenic for Hereditary cancer-predisposing syndrome. Last evaluated: 2025-11-19. Review status: criteria provided, single submitter. Criteria: Ambry Variant Classification Scheme 2023. Collection method: clinical testing. Allele origin: germline.
Comment: The c.134+3A>C intronic pathogenic mutation results from an A to C substitution 3 nucleotides after coding exon 2 in the BRCA1 gene. This nucleotide position is highly conserved in available vertebrate species. In silico splice site analysis predicts that this alteration will weaken the native splice donor site. This alteration has been detected in multiple HBOC families (Phelan CM et al. Hum Mutat, 2002 Nov;20:352-7; Claes K et al. Genes Chromosomes Cancer, 2003 Jul;37:314-20). RNA analyses have demonstrated that this alteration leads to skipping of exon 3 (coding exon 2), thereby deleting 18 amino acids from the highly conserved RING domain (Claes K et al. Genes Chromosomes Cancer, 2003 Jul;37:314-20; Steffensen AY et al. Eur J Hum Genet, 2014 Dec;22:1362-8). One functional study found that this nucleotide substitution is non-functional in a high-throughput, genome editing, haploid cell survival assay (Findlay GM et al. Nature, 2018 10;562:217-222). Of note, this alteration is also referred to as IVS3+3A>C in the literature. Another alteration impacting the same donor site (c.134+3A>T) has been shown to have the same deleterious splicing impact as the c.134+3A>C alteration (Ambry internal data; Baert A et al. Hum. Mutat., 2018 04;39:515-526). This variant is considered to be rare based on population cohorts in the Genome Aggregation Database (gnomAD). Based on the supporting evidence, this alteration is interpreted as a disease-causing mutation.

Baylor Genetics
Classification: Pathogenic for Breast-ovarian cancer, familial, susceptibility to, 1. Last evaluated: 2022-12-21. Review status: criteria provided, single submitter. Criteria: ACMG Guidelines, 2015. Collection method: clinical testing. Allele origin: unknown.

Labcorp Genetics (formerly Invitae), Labcorp
Classification: Pathogenic for Hereditary breast ovarian cancer syndrome. Last evaluated: 2022-06-13. Review status: criteria provided, single submitter. Criteria: Invitae Variant Classification Sherloc (09022015). Collection method: clinical testing. Allele origin: germline.
Comment: Variants that disrupt the consensus splice site are a relatively common cause of aberrant splicing (PMID: 17576681, 9536098). Studies have shown that this variant results in skipping of exon 3, but is expected to preserve the integrity of the reading-frame (PMID: 12759930, 24667779). Experimental studies have shown that this variant affects BRCA1 function (PMID: 30209399). Algorithms developed to predict the effect of variants on protein structure and function are not available or were not evaluated for this variant. ClinVar contains an entry for this variant (Variation ID: 54212). This variant has been observed in individual(s) with breast and/or ovarian cancer (PMID: 12402332, 12759930, 32341426). This variant is not present in population databases (gnomAD no frequency). This sequence change falls in intron 3 of the BRCA1 gene. It does not directly change the encoded amino acid sequence of the BRCA1 protein. RNA analysis indicates that this variant induces altered splicing and likely results in a shortened protein product. For these reasons, this variant has been classified as Pathogenic. This variant disrupts the RING domain of the BRCA1 protein, which mediates BRCA1 interactions with BARD1 and BAP1 and is important for ubiquitin ligase activity (PMID: 20029420, 25652403). While functional studies have not been performed to directly test the effect of this variant on BRCA1 protein function, this suggests that disruption of this region of the protein is causative of disease.

Color Diagnostics, LLC DBA Color Health
Classification: Pathogenic for Hereditary cancer-predisposing syndrome. Last evaluated: 2019-10-07. Review status: criteria provided, single submitter. Criteria: ACMG Guidelines, 2015. Collection method: clinical testing. Allele origin: germline.
Comment: This variant causes an A>C nucleotide substitution at the +3 position of intron 3 of the BRCA1 gene. Functional RNA studies and mini-gene assay have shown that this variant causes in-frame skipping of exon 3 (PMID: 12759930, 24667779), resulting in loss of the RING domain which is important for BARD1 binding. This variant has been reported to be loss-of-function in a haploid cell proliferation assay (PMID: 30209399). This variant has been reported in individuals affected with breast and/or ovarian cancer (PMID: 12402332, 12759930, 24667779). This variant has not been identified in the general population by the Genome Aggregation Database (gnomAD). Loss of BRCA1 function is a known mechanism of disease. Based on the available evidence, this variant is classified as Pathogenic.

Consortium of Investigators of Modifiers of BRCA1/2 (CIMBA), c/o University of Cambridge
Classification: Pathogenic for Breast-ovarian cancer, familial, susceptibility to, 1. Last evaluated: 2015-10-02. Review status: criteria provided, single submitter. Criteria: CIMBA Mutation Classification guidelines May 2016. Collection method: clinical testing. Allele origin: germline.

Breast Cancer Information Core (BIC) (BRCA1)
Classification: Uncertain significance for Breast-ovarian cancer, familial 1. Last evaluated: 1999-12-30. Review status: no assertion criteria provided. Collection method: clinical testing. Allele origin: germline. Affected: yes. Observed: 1 variant allele. Not counted in ClinVar's aggregate classification.

Brotman Baty Institute, University of Washington
No classification provided (evidence only). Condition: Breast-ovarian cancer, familial 1. Review status: no classification provided. Collection method: in vitro. Allele origin: not applicable. Functional consequence: functionally_abnormal. Not counted in ClinVar's aggregate classification.
ClinVar note: "not provided" was previously submitted as the classification for the variant. However, the classification appeared to be based only on an observation of functional data so it was converted to no classification on 2025-07-30.

Clinical Genetics DNA and cytogenetics Diagnostics Lab, Erasmus MC, Erasmus Medical Center
Classification: Pathogenic. Review status: no assertion criteria provided. Collection method: clinical testing. Allele origin: germline. Affected: yes. Study: VKGL Data-share Consensus. Not counted in ClinVar's aggregate classification.

Diagnostic Laboratory, Department of Genetics, University Medical Center Groningen
Classification: Pathogenic for Breast-ovarian cancer, familial, susceptibility to, 1. Review status: no assertion criteria provided. Collection method: clinical testing. Allele origin: germline. Affected: yes. Study: VKGL Data-share Consensus. Not counted in ClinVar's aggregate classification.

Literature cited by the submitters: PubMed 12402332 (cited by Ambry Genetics and Labcorp Genetics (formerly Invitae), Labcorp); PubMed 12759930 (cited by Ambry Genetics and Labcorp Genetics (formerly Invitae), Labcorp); PubMed 24667779 (cited by Ambry Genetics and Labcorp Genetics (formerly Invitae), Labcorp); PubMed 30209399 (cited by Ambry Genetics and Labcorp Genetics (formerly Invitae), Labcorp); PubMed 17576681 (cited by Labcorp Genetics (formerly Invitae), Labcorp); PubMed 9536098 (cited by Labcorp Genetics (formerly Invitae), Labcorp); PubMed 32341426 (cited by Labcorp Genetics (formerly Invitae), Labcorp); PubMed 20029420 (cited by Labcorp Genetics (formerly Invitae), Labcorp); PubMed 25652403 (cited by Labcorp Genetics (formerly Invitae), Labcorp).